The following is an entry in ClinVar:

ClinVar aggregate classification (germline): Benign/Likely benign. Review status: criteria provided, multiple submitters, no conflicts (2 of 4 stars). 4 submissions from 4 submitters: Benign (2); Likely benign (1). 1 of the submissions does not count toward it. Last evaluated 2025-12-24.

Conditions:
Familial hemophagocytic lymphohistiocytosis 5. Also called: STXBP2-Related Familial Hemophagocytic Lymphohistiocytosis (STXBP2-fHLH). Identifiers: Orphanet 540, MedGen C2751293, MONDO:0013135, OMIM 613101.
STXBP2-related disorder. Also called: STXBP2-related condition.

Submissions (4):

Labcorp Genetics (formerly Invitae), Labcorp
Classification: Benign for Familial hemophagocytic lymphohistiocytosis 5. Last evaluated: 2025-12-24. Review status: criteria provided, single submitter. Criteria: Invitae Variant Classification Sherloc (09022015). Collection method: clinical testing. Allele origin: germline.

Blueprint Genetics
Classification: Likely benign. Last evaluated: 2024-09-12. Review status: criteria provided, single submitter. Criteria: ACMG Guidelines, 2015. Collection method: clinical testing. Allele origin: germline.

Women's Health and Genetics/Laboratory Corporation of America, LabCorp
Classification: Benign. Last evaluated: 2023-02-20. Review status: criteria provided, single submitter. Criteria: LabCorp Variant Classification Summary - May 2015. Collection method: clinical testing. Allele origin: germline.
Comment: Variant summary: STXBP2 c.1027-8_1027-2dupCCCTGCA alters a conserved nucleotide located close to a canonical splice site and therefore could affect mRNA splicing. Several computational tools predict an impact on normal splicing: One predict the variant abolishes a 3' acceptor site. Two predict the variant weakens a 3' acceptor site. However, these predictions have yet to be confirmed by functional studies. The variant allele was found at a frequency of 0.007450 in 25100 Finnish control chromosomes in the gnomAD database, including 2 homozygotes. This frequency is significantly higher than estimated for a pathogenic variant in STXBP2 causing Familial Hemophagocytic Lymphohistiocytosis (0.007450 vs 0.0022), suggesting the variant is benign. To our knowledge, no occurrence of c.1027-8_1027-2dupCCCTGCA in individuals affected with Familial Hemophagocytic Lymphohistiocytosis and no experimental evidence demonstrating its impact on protein function have been reported. One clinical diagnostic laboratory has submitted clinical-significance assessments for this variant to ClinVar after 2014 without evidence for independent evaluation. One laboratory classified the variant as benign. Based on the evidence outlined above, the variant was classified as benign.

PreventionGenetics, part of Exact Sciences
Classification: Likely benign for STXBP2-related condition. Last evaluated: 2020-02-28. Review status: no assertion criteria provided. Collection method: clinical testing. Allele origin: germline. Not counted in ClinVar's aggregate classification.
Comment: This variant is classified as likely benign based on ACMG/AMP sequence variant interpretation guidelines (Richards et al. 2015 PMID: 25741868, with internal and published modifications).

NM_006949.4(STXBP2):c.1027-17CACCCTG[3]

Gene: STXBP2 (syntaxin binding protein 2; plus strand). Cytogenetic location: 19p13.2.
Variant type: Microsatellite.
Coding change: c.1027-17CACCCTG[3] on transcript NM_006949.4 (MANE Select); three copies in a row of the 7-base unit CACCCTG starting at c.1027-17.
Molecular consequence: splice acceptor variant.
Genome position: GRCh38 VCF-style: chr19-7643147-C-CCACCCTG. GRCh37 (hg19) VCF-style: chr19-7708033-C-CCACCCTG.
Other names: c.1027-8_1027-2dupCCCTGCA (NM_006949.3); c.1027-8_1027-2dup7 (NM_006949.3); c.1060-17CACCCTG[3] (NM_001272034.2); c.1018-17CACCCTG[3] (NM_001127396.3).
Identifiers: ClinVar variation 1637950 (VCV001637950.12), dbSNP rs776600326, ClinGen allele CA9143942.